The following is an entry in ClinVar:

ClinVar aggregate classification (germline): Uncertain significance (1 of 4 stars; one submission).

Allele frequency attached by ClinVar (database versions not stated): gnomAD exomes below 0.00001; TOPMed 0.00001.
gnomAD v4.1: 3 of 1,611,092 alleles (0.00019%); highest among the groups gnomAD compares: African/African-American, 0.0013%; no homozygotes.

Submission:

Labcorp Genetics (formerly Invitae), Labcorp
Classification: Uncertain significance. Last evaluated: 2021-04-21. Review status: criteria provided, single submitter. Criteria: Invitae Variant Classification Sherloc (09022015). Collection method: clinical testing. Allele origin: germline.
Comment: In summary, the available evidence is currently insufficient to determine the role of this variant in disease. Therefore, it has been classified as a Variant of Uncertain Significance. Algorithms developed to predict the effect of missense changes on protein structure and function output the following: SIFT: "Tolerated"; PolyPhen-2: "Benign"; Align-GVGD: "Class C0". The valine amino acid residue is found in multiple mammalian species, suggesting that this missense change does not adversely affect protein function. These predictions have not been confirmed by published functional studies and their clinical significance is uncertain. This variant has not been reported in the literature in individuals with MTFMT-related conditions. This variant is not present in population databases (ExAC no frequency). This sequence change replaces isoleucine with valine at codon 142 of the MTFMT protein (p.Ile142Val). The isoleucine residue is moderately conserved and there is a small physicochemical difference between isoleucine and valine.

NM_139242.4(MTFMT):c.424A>G (p.Ile142Val)

Gene: MTFMT (mitochondrial methionyl-tRNA formyltransferase; minus strand). Cytogenetic location: 15q22.31.
Variant type: single nucleotide variant.
Coding change: c.424A>G on transcript NM_139242.4 (MANE Select); coding-DNA position 424, A replaced by G.
Protein change: p.Ile142Val; replaces isoleucine 142 with valine.
Molecular consequence: missense variant.
Genome position (GRCh38, 1-based): chr15:65,023,790, T>C on the plus strand (A>G on the coding strand, the complement: MTFMT is on the minus strand). VCF-style: chr15-65023790-T-C. GRCh37 (hg19) VCF-style: chr15-65316128-T-C.
Other names: short protein forms I142V.
Identifiers: ClinVar variation 1409087 (VCV001409087.8), dbSNP rs2086396465, ClinGen allele CA392856648.